The following is an entry in ClinVar:

NM_001267550.2(TTN):c.57083AAG[2] (p.Glu19030del)

Genes: TTN (titin; minus strand), TTN-AS1 (TTN antisense RNA 1; plus strand). Cytogenetic location: 2q31.2.
Variant type: Microsatellite.
Coding change: c.57083AAG[2] on transcript NM_001267550.2 (MANE Select); two copies in a row of the 3-base unit AAG starting at c.57083; the reference has three copies in a row; one copy, 3 bases deleted; also written c.57089_57091del.
Protein change: p.Glu19030del; deletes glutamic acid 19030.
Molecular consequence: inframe deletion.
Genome position (GRCh38, 1-based): chr2:178,598,526-178,598,528, CTT deleted on the plus strand (AAG on the coding strand, the reverse complement: TTN is on the minus strand); deleting any 3 consecutive bases within chr2:178,598,526-178,598,534 gives the same sequence; the position shown is the placement nearest the transcript's 3' end. VCF-style (leftmost placement, unchanged base first): chr2-178598525-CCTT-C. GRCh37 (hg19) VCF-style: chr2-179463252-CCTT-C.
Other names: c.49385_49387del (NM_133378.4); c.52160AAG[2], p.Glu17389del (NM_001256850.1); c.29888AAG[2], p.Glu9965del (NM_003319.4); c.49379AAG[2], p.Glu16462del (NM_133378.4); c.30263AAG[2], p.Glu10090del (NM_133432.3); c.30464AAG[2], p.Glu10157del (NM_133437.4); c.57089_57091delAAG (NM_001267550.2); c.29894_29896delAAG (NM_003319.4); and 1 more; short protein forms E10090del, E10157del, E16462del, E17389del, E19030del, E9965del.
Identifiers: ClinVar variation 1695793 (VCV001695793.10), dbSNP rs749887998, ClinGen allele CA1993111.

ClinVar aggregate classification (germline): Uncertain significance. Review status: criteria provided, multiple submitters, no conflicts (2 of 4 stars). 6 submissions from 6 submitters: Uncertain significance (6). Last evaluated 2026-02-18.

Conditions:
TTN-related disorder. Also called: TTN-related disorders; TTN-related condition; TTN-related disease.
Cardiovascular phenotype. Identifiers: MedGen CN230736.
Tibial muscular dystrophy (TMD). Also called: UDD MYOPATHY; Udd Distal Myopathy – Tibial Muscular Dystrophy; Tibial muscular dystrophy, tardive. Identifiers: Orphanet 609, MedGen C1838244, MONDO:0010870, OMIM 600334.
Early-onset myopathy with fatal cardiomyopathy (CMYO5). Also called: CONGENITAL MYOPATHY 5 WITH CARDIOMYOPATHY; Salih Myopathy. Identifiers: Orphanet 289377, MedGen C2673677, MONDO:0012714, OMIM 611705. Disease mechanism: loss of function.
Hypertrophic cardiomyopathy 9. Also called: Familial hypertrophic cardiomyopathy 9. Identifiers: MedGen C1861065, MONDO:0013412, OMIM 613765.
Autosomal recessive limb-girdle muscular dystrophy type 2J (LGMDR10). Also called: MUSCULAR DYSTROPHY, LIMB-GIRDLE, AUTOSOMAL RECESSIVE 10; Limb-girdle muscular dystrophy, type 2J. Identifiers: Orphanet 140922, MedGen C1837342, MONDO:0012127, OMIM 608807.
Myopathy, myofibrillar, 9, with early respiratory failure (MFM9). Also called: Myopathy, distal, with early respiratory failure, autosomal dominant; EDSTROM MYOPATHY; MYOPATHY, PROXIMAL, WITH EARLY RESPIRATORY MUSCLE INVOLVEMENT; Hereditary myopathy with early respiratory failure. Identifiers: Orphanet 178464, Orphanet 34521, MedGen C1863599, MONDO:0011362, OMIM 603689.
Dilated cardiomyopathy 1G (CMD1G). Identifiers: Orphanet 154, MedGen C1858763, MONDO:0011400, OMIM 604145.

Submissions (6):

PreventionGenetics, part of Exact Sciences
Classification: Uncertain significance for TTN-related condition. Last evaluated: 2026-02-18. Review status: criteria provided, single submitter. Criteria: ACMG Guidelines, 2015. Collection method: clinical testing. Allele origin: germline.
Comment: The TTN c.57089_57091delAAG variant is predicted to result in an in-frame deletion (p.Glu19030del). To our knowledge, this variant has not been reported in the literature. This variant is reported in 0.00090% of alleles in individuals of European (Non-Finnish) descent in gnomAD. At this time, the clinical significance of this variant is uncertain due to the absence of conclusive functional and genetic evidence.

Blueprint Genetics
Classification: Uncertain significance. Last evaluated: 2023-01-26. Review status: criteria provided, single submitter. Criteria: ACMG Guidelines, 2015. Collection method: clinical testing. Allele origin: germline.

Ambry Genetics
Classification: Uncertain significance for Cardiovascular phenotype. Last evaluated: 2023-01-11. Review status: criteria provided, single submitter. Criteria: Ambry Variant Classification Scheme 2023. Collection method: clinical testing. Allele origin: germline.
Comment: The c.29894_29896delAAG variant (also known as p.E9965del) is located in coding exon 119 of the TTN gene. This variant results from an in-frame AAG deletion at nucleotide positions 29894 to 29896. This results in the in-frame deletion of a glutamic acid at codon 9965. This amino acid position is well conserved in available vertebrate species. In addition, this alteration is predicted to be deleterious by in silico analysis (Choi Y et al. PLoS ONE. 2012; 7(10):e46688). Since supporting evidence is limited at this time, the clinical significance of this alteration remains unclear.

GeneDx
Classification: Uncertain significance. Last evaluated: 2022-01-10. Review status: criteria provided, single submitter. Criteria: GeneDx Variant Classification Process June 2021. Collection method: clinical testing. Allele origin: germline. Affected: yes.
Comment: Has not been previously published as pathogenic or benign to our knowledge; Not observed at significant frequency in large population cohorts (gnomAD); Missense variant in a gene in which most reported pathogenic variants are truncating/loss-of-function

Fulgent Genetics
Classification: Uncertain significance for Tibial muscular dystrophy; Myopathy, myofibrillar, 9, with early respiratory failure; Dilated cardiomyopathy 1G; Autosomal recessive limb-girdle muscular dystrophy type 2J; Early-onset myopathy with fatal cardiomyopathy; Hypertrophic cardiomyopathy 9. Last evaluated: 2021-07-30. Review status: criteria provided, single submitter. Criteria: ACMG Guidelines, 2015. Collection method: clinical testing. Allele origin: unknown.

Revvity Omics, Revvity
Classification: Uncertain significance. Last evaluated: 2020-07-29. Review status: criteria provided, single submitter. Criteria: ACMG Guidelines, 2015. Collection method: clinical testing. Allele origin: germline.